The following is an entry in ClinVar:

ClinVar aggregate classification (germline): Uncertain significance. Review status: criteria provided, multiple submitters, no conflicts (2 of 4 stars). 2 submissions from 2 submitters: Uncertain significance (2). Last evaluated 2023-09-20.

Conditions:
Autosomal recessive limb-girdle muscular dystrophy type 2A (LGMDR1). Also called: Muscular dystrophy, limb-girdle, type 2A, Amish; LEYDEN-MOEBIUS MUSCULAR DYSTROPHY; MUSCULAR DYSTROPHY, PELVOFEMORAL; Limb-girdle muscular dystrophy, type 2A; Calpainopathy. Identifiers: Orphanet 267, MedGen C1869123, MONDO:0009675, OMIM 253600. Disease mechanism: loss of function.
Inborn genetic diseases. Identifiers: MedGen C0950123, MeSH D030342.

Allele frequency attached by ClinVar (database versions not stated): gnomAD exomes 0.00001; TOPMed 0.00001; ExAC 0.00002; gnomAD 0.00003; 1000 Genomes Project 30x 0.00016; 1000 Genomes Project 0.00020.
gnomAD v4.1: 19 of 1,614,188 alleles (0.0012%); highest among the groups gnomAD compares: East Asian, 0.0089%; no homozygotes.

Submissions (2):

Ambry Genetics
Classification: Uncertain significance for Inborn genetic diseases. Last evaluated: 2023-09-20. Review status: criteria provided, single submitter. Criteria: Ambry Variant Classification Scheme 2023. Collection method: clinical testing. Allele origin: germline.

Labcorp Genetics (formerly Invitae), Labcorp
Classification: Uncertain significance for Autosomal recessive limb-girdle muscular dystrophy type 2A. Last evaluated: 2022-08-25. Review status: criteria provided, single submitter. Criteria: Invitae Variant Classification Sherloc (09022015). Collection method: clinical testing. Allele origin: germline.
Comment: This sequence change replaces methionine, which is neutral and non-polar, with threonine, which is neutral and polar, at codon 540 of the CAPN3 protein (p.Met540Thr). This variant is present in population databases (rs550117224, gnomAD 0.006%). This variant has not been reported in the literature in individuals affected with CAPN3-related conditions. Algorithms developed to predict the effect of missense changes on protein structure and function are either unavailable or do not agree on the potential impact of this missense change (SIFT: "Deleterious"; PolyPhen-2: "Benign"; Align-GVGD: "Class C45"). In summary, the available evidence is currently insufficient to determine the role of this variant in disease. Therefore, it has been classified as a Variant of Uncertain Significance.

NM_000070.3(CAPN3):c.1619T>C (p.Met540Thr)

Gene: CAPN3 (calpain 3; plus strand). Cytogenetic location: 15q15.1.
Variant type: single nucleotide variant.
Coding change: c.1619T>C on transcript NM_000070.3 (MANE Select); coding-DNA position 1619, T replaced by C.
Protein change: p.Met540Thr; replaces methionine 540 with threonine.
Molecular consequence: missense variant.
Genome position (GRCh38, 1-based): chr15:42,402,876, T>C. VCF-style: chr15-42402876-T-C. GRCh37 (hg19) VCF-style: chr15-42695074-T-C.
Other names: c.1619T>C (NM_000070.2); c.1619T>C, p.Met540Thr (NM_024344.2); c.1475T>C, p.Met492Thr (NM_173087.2); c.83T>C, p.Met28Thr (NM_173088.2); c.*735T>C (NM_212464.2); c.*1312T>C (NM_212467.2); short protein forms M28T, M492T, M540T.
Identifiers: ClinVar variation 2152148 (VCV002152148.2), dbSNP rs550117224, ClinGen allele CA7511447.
Genomic context (GRCh38, chr15:42,402,876, plus strand): 5'-TGCAGAAGGACTTCTTCCTGTACAACGCCTCCAAGGCCAGGAGCAAAACCTACATCAACA[T>C]GCGGGAGGTGTCCCAGCGCTTCCGCCTGCCTCCCAGCGAGTACGTCATCGTGCCCTCCAC-3'
Protein context (NP_000061.1, residues 530-550): SKARSKTYIN[Met540Thr]REVSQRFRLP